The following is an entry in ClinVar:

NM_001368809.2(AMPD2):c.1795A>C (p.Asn599His)

Gene: AMPD2 (adenosine monophosphate deaminase 2; plus strand). Cytogenetic location: 1p13.3.
Variant type: single nucleotide variant.
Coding change: c.1795A>C on transcript NM_001368809.2 (MANE Select); coding-DNA position 1795, A replaced by C.
Protein change: p.Asn599His; replaces asparagine 599 with histidine.
Molecular consequence: missense variant.
Genome position (GRCh38, 1-based): chr1:109,629,423, A>C. VCF-style: chr1-109629423-A-C. GRCh37 (hg19) VCF-style: chr1-110172045-A-C.
Other names: c.1603A>C, p.Asn535His (NM_001257361.2); c.1732A>C, p.Asn578His (NM_001308170.1); c.1795A>C, p.Asn599His (NM_004037.9); c.1714A>C, p.Asn572His (NM_139156.4); short protein forms N535H, N572H, N578H, N599H.
Identifiers: ClinVar variation 5037091 (VCV005037091.1).

ClinVar aggregate classification (germline): Uncertain significance (1 of 4 stars; one submission).

gnomAD v4.1: 5 of 1,613,970 alleles (0.00031%); highest among the groups gnomAD compares: African/African-American, 0.0053%; no homozygotes.

Submission:

GeneDx
Classification: Uncertain significance. Last evaluated: 2026-04-12. Review status: criteria provided, single submitter. Criteria: GeneDx Variant Classification Process June 2021. Collection method: clinical testing. Allele origin: germline.
Comment: In silico analysis supports that this missense variant has a deleterious effect on protein structure/function; Has not been previously published as pathogenic or benign to our knowledge